The following is an entry in ClinVar:

ClinVar aggregate classification (germline): Uncertain significance (1 of 4 stars; one submission).

Conditions:
Cystic fibrosis (CF). Also called: MUCOVISCIDOSIS. Identifiers: Orphanet 586, MedGen C0010674, MONDO:0009061, OMIM 219700. Disease mechanism: loss of function.

Submission:

Ambry Genetics
Classification: Uncertain significance for Cystic fibrosis. Last evaluated: 2023-03-01. Review status: criteria provided, single submitter. Criteria: Ambry Variant Classification Scheme 2023. Collection method: clinical testing. Allele origin: germline.
Comment: The c.-1C>G variant is located in the 5' untranslated region (5&rsquo; UTR) of the CFTR gene. This variant results from a C to G substitution 1 bases upstream from the first translated codon. This nucleotide position is highly conserved in available vertebrate species. Since supporting evidence is limited at this time, the clinical significance of this alteration remains unclear.

NM_000492.4(CFTR):c.-1C>G

Genes: CFTR (CF transmembrane conductance regulator; plus strand), LOC111674463 (CFTR promoter region; plus strand). Cytogenetic location: 7q31.2.
Variant type: single nucleotide variant.
Coding change: c.-1C>G on transcript NM_000492.4 (MANE Select); 1 bases upstream of the start codon, C replaced by G.
Molecular consequence: 5 prime UTR variant.
Genome position (GRCh38, 1-based): chr7:117,480,094, C>G. VCF-style: chr7-117480094-C-G. GRCh37 (hg19) VCF-style: chr7-117120148-C-G.
Identifiers: ClinVar variation 2447395 (VCV002447395.2), dbSNP rs895522825, ClinGen allele CA2578999826.